The following is an entry in ClinVar:

ClinVar aggregate classification (germline): Uncertain significance. Review status: criteria provided, multiple submitters, no conflicts (2 of 4 stars). 2 submissions from 2 submitters: Uncertain significance (2). Last evaluated 2023-12-05.

Conditions:
Arrhythmogenic right ventricular dysplasia 2. Identifiers: MedGen C1832931.
Catecholaminergic polymorphic ventricular tachycardia 1. Also called: VENTRICULAR TACHYCARDIA, CATECHOLAMINERGIC POLYMORPHIC, 1, WITH OR WITHOUT ATRIAL DYSFUNCTION AND/OR DILATED CARDIOMYOPATHY; VENTRICULAR TACHYCARDIA, STRESS-INDUCED POLYMORPHIC 1; RYR2-Related Catecholaminergic Polymorphic Ventricular Tachycardia. Identifiers: Orphanet 3286, MedGen C1631597, MONDO:0011484, OMIM 604772.
Ventricular arrhythmias due to cardiac ryanodine receptor calcium release deficiency syndrome. Also called: Autosomal dominant cardiac arrhythmia (Kuhn). Identifiers: MedGen C5542154, MONDO:0020745, OMIM 115000.
Cardiomyopathy (CMYO). Also called: Cardiomyopathies. Identifiers: Orphanet 167848, MedGen C0878544, MONDO:0004994, HP:0001638. Inheritance: Various modes of inheritance.

Allele frequency attached by ClinVar (database versions not stated): ExAC 0.00001; gnomAD exomes 0.00001 and 0.00002.
gnomAD v4.1: 12 of 1,613,914 alleles (0.00074%); highest among the groups gnomAD compares: South Asian, 0.013%; no homozygotes.

Submissions (2):

Color Diagnostics, LLC DBA Color Health
Classification: Uncertain significance for Cardiomyopathy. Last evaluated: 2023-12-05. Review status: criteria provided, single submitter. Criteria: ACMG Guidelines, 2015. Collection method: clinical testing. Allele origin: germline.
Comment: This missense variant replaces alanine with glycine at codon 820 of the RYR2 protein. Computational prediction suggests that this variant may not impact protein structure and function (internally defined REVEL score threshold <= 0.5, PMID: 27666373). To our knowledge, functional studies have not been reported for this variant. This variant has not been reported in individuals affected with RYR2-related disorders in the literature. This variant has been identified in 5/249124 chromosomes in the general population by the Genome Aggregation Database (gnomAD). The available evidence is insufficient to determine the role of this variant in disease conclusively. Therefore, this variant is classified as a Variant of Uncertain Significance.

Fulgent Genetics
Classification: Uncertain significance for Ventricular arrhythmias due to cardiac ryanodine receptor calcium release deficiency syndrome; Catecholaminergic polymorphic ventricular tachycardia 1. Last evaluated: 2022-05-04. Review status: criteria provided, single submitter. Criteria: ACMG Guidelines, 2015. Collection method: clinical testing. Allele origin: unknown.

NM_001035.3(RYR2):c.2459C>G (p.Ala820Gly)

Gene: RYR2 (ryanodine receptor 2; plus strand). Cytogenetic location: 1q43.
Variant type: single nucleotide variant.
Coding change: c.2459C>G on transcript NM_001035.3 (MANE Select); coding-DNA position 2459, C replaced by G.
Protein change: p.Ala820Gly; replaces alanine 820 with glycine.
Molecular consequence: missense variant.
Genome position (GRCh38, 1-based): chr1:237,503,351, C>G. VCF-style: chr1-237503351-C-G. GRCh37 (hg19) VCF-style: chr1-237666651-C-G.
Other names: c.2459C>G (NM_001035.2); short protein forms A820G.
Identifiers: ClinVar variation 926227 (VCV000926227.5), dbSNP rs748492817, ClinGen allele CA086056.